The following is an entry in ClinVar:

NM_144997.7(FLCN):c.753G>A (p.Trp251Ter)

Gene: FLCN (folliculin; minus strand). Cytogenetic location: 17p11.2.
Variant type: single nucleotide variant.
Coding change: c.753G>A on transcript NM_144997.7 (MANE Select); coding-DNA position 753, G replaced by A.
Protein change: p.Trp251Ter; replaces tryptophan 251 with a stop codon.
Molecular consequence: nonsense.
Genome position (GRCh38, 1-based): chr17:17,222,527, C>T on the plus strand (G>A on the coding strand, the complement: FLCN is on the minus strand). VCF-style: chr17-17222527-C-T. GRCh37 (hg19) VCF-style: chr17-17125841-C-T.
Other names: p.Trp251*; c.807G>A, p.Trp269Ter (NM_001353229.2); c.753G>A, p.Trp251Ter (NM_001353230.2, NM_001353231.2, NM_144606.7); short protein forms W251*, W269*.
Identifiers: ClinVar variation 2683689 (VCV002683689.1), dbSNP rs2544232331, ClinGen allele CA398533868.

ClinVar aggregate classification (germline): Likely pathogenic (1 of 4 stars; one submission).

Allele frequency attached by ClinVar (database versions not stated): gnomAD exomes below 0.00001.
gnomAD v4.1: 1 of 1,614,234 alleles (0.000062%); highest among the groups gnomAD compares: South Asian, 0.0011%; no homozygotes.

Submission:

Mayo Clinic Laboratories, Mayo Clinic
Classification: Likely pathogenic. Last evaluated: 2022-10-06. Review status: criteria provided, single submitter. Criteria: ACMG Guidelines, 2015. Collection method: clinical testing. Allele origin: germline. Observed: 1 variant allele.
Comment: PM2, PVS1